The following is an entry in ClinVar:

ClinVar aggregate classification (germline): Likely benign. Review status: criteria provided, multiple submitters, no conflicts (2 of 4 stars). 2 submissions from 2 submitters: Likely benign (2). Last evaluated 2026-05-12.

Conditions:
Neurofibromatosis, type 1 (NF1). Also called: VON RECKLINGHAUSEN DISEASE; NEUROFIBROMATOSIS, TYPE I, SOMATIC; Neurofibromatosis, type I; Peripheral type neurofibromatosis. Identifiers: Orphanet 636, MedGen C0027831, MONDO:0018975, OMIM 162200. Disease mechanism: loss of function.

Submissions (2):

Myriad Genetics, Inc.
Classification: Likely benign for Neurofibromatosis, type 1. Last evaluated: 2026-05-12. Review status: criteria provided, single submitter. Criteria: Myriad Autosomal Dominant, Autosomal Recessive and X-Linked Classification Criteria (2023). Collection method: clinical testing. Allele origin: unknown.
Comment: This variant is considered likely benign. This variant is intronic and is not expected to impact mRNA splicing.

Labcorp Genetics (formerly Invitae), Labcorp
Classification: Likely benign for Neurofibromatosis, type 1. Last evaluated: 2025-10-23. Review status: criteria provided, single submitter. Criteria: Invitae Variant Classification Sherloc (09022015). Collection method: clinical testing. Allele origin: germline.

NM_001042492.3(NF1):c.2002-16C>T

Gene: NF1 (neurofibromin 1; plus strand). Cytogenetic location: 17q11.2.
Variant type: single nucleotide variant.
Coding change: c.2002-16C>T on transcript NM_001042492.3 (MANE Select); 16 bases into the intron before coding-DNA position 2002, C replaced by T.
Molecular consequence: intron variant.
Genome position (GRCh38, 1-based): chr17:31,226,419, C>T. VCF-style: chr17-31226419-C-T. GRCh37 (hg19) VCF-style: chr17-29553437-C-T.
Other names: c.2002-16C>T (NM_000267.4).
Identifiers: ClinVar variation 1656357 (VCV001656357.9), dbSNP rs2151425455, ClinGen allele CA2573153250.
Genomic context (GRCh38, chr17:31,226,419, plus strand): 5'-AGTTTATTGCATTGTTAGATTTTATACATAAAATTACCCAAGTTGCAAATATATGTCTTC[C>T]ACCCTTGACTCTCAGGATAGTGCAGCAGGATGCAGCGGAACCCCCCCGATTTGCCGACAA-3'